The following is an entry in ClinVar:

NM_001453.3(FOXC1):c.1124GCG[9] (p.Gly378_Gly380dup)

Gene: FOXC1 (forkhead box C1; plus strand). Cytogenetic location: 6p25.3.
Variant type: Microsatellite.
Coding change: c.1124GCG[9] on transcript NM_001453.3 (MANE Select); nine copies in a row of the 3-base unit GCG starting at c.1124; the reference has six copies in a row; three copies, 9 bases duplicated.
Protein change: p.Gly378_Gly380dup.
Molecular consequence: inframe insertion.
Genome position (GRCh38, 1-based): chr6:1,611,578-1,611,586, GCGGCGGCG duplicated; duplicating any 9 consecutive bases within chr6:1,611,568-1,611,586 gives the same sequence; the position shown is the placement nearest the transcript's 3' end. VCF-style (leftmost placement, unchanged base first): chr6-1611567-G-GGGCGGCGGC. GRCh37 (hg19) VCF-style: chr6-1611802-G-GGGCGGCGGC.
Identifiers: ClinVar variation 591917 (VCV000591917.9), dbSNP rs76840944, ClinGen allele CA821648338.
Genomic context (GRCh38, chr6:1,611,567, plus strand): 5'-GCCCGGCCAGAGCTCCCTCTACAGCTCCCCCTGCAGCCAGACCTCCAGCGCGGGCAGCTC[G>GGGCGGCGGC]GGCGGCGGCGGCGGCGGCGCGGGGGCCGCGGGGGGCGCGGGCGGCGCCGGGACCTACCAC-3'

ClinVar aggregate classification (germline): Uncertain significance. Review status: criteria provided, single submitter (1 of 4 stars). 2 submissions from 2 submitters: Uncertain significance (1). 1 of the submissions does not count toward it. Last evaluated 2025-12-13.

Conditions:
Axenfeld-Rieger syndrome type 3 (RIEG3). Also called: AXENFELD-RIEGER ANOMALY WITH CARDIAC DEFECTS AND/OR SENSORINEURAL HEARING LOSS. Identifiers: Orphanet 782, MedGen C2678503, MONDO:0011233, OMIM 602482.

Submissions (2):

Labcorp Genetics (formerly Invitae), Labcorp
Classification: Uncertain significance for Axenfeld-Rieger syndrome type 3. Last evaluated: 2025-12-13. Review status: criteria provided, single submitter. Criteria: Invitae Variant Classification Sherloc (09022015). Collection method: clinical testing. Allele origin: germline.
Comment: This variant, c.1133_1141dup, results in the insertion of 3 amino acid(s) of the FOXC1 protein (p.Gly378_Gly380dup), but otherwise preserves the integrity of the reading frame. This variant is not present in population databases (gnomAD no frequency). This variant has not been reported in the literature in individuals affected with FOXC1-related conditions. ClinVar contains an entry for this variant (Variation ID: 591917). Experimental studies and prediction algorithms are not available or were not evaluated, and the functional significance of this variant is currently unknown. In summary, the available evidence is currently insufficient to determine the role of this variant in disease. Therefore, it has been classified as a Variant of Uncertain Significance.

Gharavi Laboratory, Columbia University
Classification: Uncertain significance. Last evaluated: 2018-09-16. Review status: no assertion criteria provided. Criteria: ACMG Guidelines, 2015. Collection method: research. Allele origin: germline. Affected: yes. Not counted in ClinVar's aggregate classification.